The following is an entry in ClinVar:

NM_005732.4(RAD50):c.366-5T>C

Gene: RAD50 (RAD50 double strand break repair protein; plus strand). Cytogenetic location: 5q31.1.
Variant type: single nucleotide variant.
Coding change: c.366-5T>C on transcript NM_005732.4 (MANE Select); 5 bases into the intron before coding-DNA position 366, T replaced by C.
Molecular consequence: intron variant.
Genome position (GRCh38, 1-based): chr5:132,579,312, T>C. VCF-style: chr5-132579312-T-C. GRCh37 (hg19) VCF-style: chr5-131915004-T-C.
Identifiers: ClinVar variation 824042 (VCV000824042.5), dbSNP rs1580987038, ClinGen allele CA915943534.

ClinVar aggregate classification (germline): Uncertain significance (1 of 4 stars; one submission).

Conditions:
Hereditary cancer-predisposing syndrome. Also called: Hereditary Cancer Syndrome; Tumor predisposition; Neoplastic Syndromes, Hereditary; Hereditary neoplastic syndrome. Identifiers: Orphanet 140162, MedGen C0027672, MeSH D009386, MONDO:0015356.

Submission:

Ambry Genetics
Classification: Uncertain significance for Hereditary cancer-predisposing syndrome. Last evaluated: 2026-02-05. Review status: criteria provided, single submitter. Criteria: Ambry Variant Classification Scheme 2023. Collection method: clinical testing. Allele origin: germline.
Comment: The c.366-5T>C intronic variant results from a T to C substitution 5 nucleotides upstream from coding exon 4 in the RAD50 gene. This nucleotide position is well conserved in available vertebrate species. In silico splice site analysis predicts that this alteration will not have any significant effect on splicing. Based on the available evidence, the clinical significance of this variant remains unclear.